The following is an entry in ClinVar:

NC_000006.11:g.(?_118880085)_(118880243_?)dup

Genes: PLN (phospholamban; plus strand), CEP85L (centrosomal protein 85L; minus strand). Cytogenetic location: 6q22.31.
Variant type: Duplication.
Identifiers: ClinVar variation 2424515 (VCV002424515.3).

ClinVar aggregate classification (germline): Uncertain significance (1 of 4 stars; one submission).

Conditions:
Dilated cardiomyopathy 1P (CMD1P). Identifiers: Orphanet 154, MedGen C1835928, MONDO:0012362, OMIM 609909.

Submission:

Labcorp Genetics (formerly Invitae), Labcorp
Classification: Uncertain significance for Dilated cardiomyopathy 1P. Last evaluated: 2022-09-25. Review status: criteria provided, single submitter. Criteria: Invitae Variant Classification Sherloc (09022015). Collection method: clinical testing. Allele origin: germline.
Comment: A copy number gain of the genomic region encompassing the full coding sequence of the PLN gene has been identified. The boundaries of this event are unknown as they extend beyond the assayed region for this gene and therefore may encompass additional genes. As the precise location of this event is unknown, it may be in tandem or it may be located elsewhere in the genome. Isolated whole-gene copy number gains of PLN have not been reported in the literature. However, larger copy number events that include this gene have been reported (PMID: 24451198). In summary, the available evidence is currently insufficient to determine the role of this variant in disease. Therefore, it has been classified as a Variant of Uncertain Significance.

Literature cited by the submitters: PubMed 24451198.